The following is an entry in ClinVar:

NM_013450.4(BAZ2B):c.3907G>T (p.Asp1303Tyr)

Gene: BAZ2B (bromodomain adjacent to zinc finger domain 2B; minus strand). Cytogenetic location: 2q24.2.
Variant type: single nucleotide variant.
Coding change: c.3907G>T on transcript NM_013450.4 (MANE Select); coding-DNA position 3907, G replaced by T.
Protein change: p.Asp1303Tyr; replaces aspartic acid 1303 with tyrosine.
Molecular consequence: missense variant.
Genome position (GRCh38, 1-based): chr2:159,382,657, C>A on the plus strand (G>T on the coding strand, the complement: BAZ2B is on the minus strand). VCF-style: chr2-159382657-C-A. GRCh37 (hg19) VCF-style: chr2-160239168-C-A.
Other names: c.3799G>T, p.Asp1267Tyr (NM_001289975.1); c.3745G>T, p.Asp1249Tyr (NM_001329857.2); c.3832G>T, p.Asp1278Tyr (NM_001329858.2); short protein forms D1249Y, D1267Y, D1278Y, D1303Y.
Identifiers: ClinVar variation 3373379 (VCV003373379.1).

ClinVar aggregate classification (germline): Uncertain significance (1 of 4 stars; one submission).

gnomAD v4.1: 1 of 1,599,716 alleles (0.000063%); highest among the groups gnomAD compares: African/African-American, 0.0013%; no homozygotes.

Submission:

GeneDx
Classification: Uncertain significance. Last evaluated: 2024-04-30. Review status: criteria provided, single submitter. Criteria: GeneDx Variant Classification Process June 2021. Collection method: clinical testing. Allele origin: germline. Affected: yes.
Comment: Not observed at significant frequency in large population cohorts (gnomAD); In silico analysis supports that this missense variant has a deleterious effect on protein structure/function; Has not been previously published as pathogenic or benign to our knowledge